The following is an entry in ClinVar:

ClinVar aggregate classification (germline): Uncertain significance. Review status: criteria provided, multiple submitters, no conflicts (2 of 4 stars). 7 submissions from 5 submitters: Uncertain significance (7). Last evaluated 2024-07-03.

Conditions:
Charcot-Marie-Tooth disease axonal type 2X. Also called: CHARCOT-MARIE-TOOTH DISEASE, AXONAL, AUTOSOMAL RECESSIVE, TYPE 2X; CHARCOT-MARIE-TOOTH NEUROPATHY, TYPE 2X. Identifiers: Orphanet 466775, MedGen C5569024, MONDO:0014726, OMIM 616668.
Hereditary spastic paraplegia 11. Also called: Nakamura Osame syndrome; Autosomal recessive hereditary spastic paraplegia, mental impairment, and thin corpus callosum; SPASTIC PARAPLEGIA, AUTOSOMAL RECESSIVE, COMPLICATED, WITH THIN CORPUS CALLOSUM; SPASTIC PARAPLEGIA, AUTOSOMAL RECESSIVE, WITH MENTAL IMPAIRMENT AND THIN CORPUS CALLOSUM; Spastic paraplegia, mental retardation and thin corpus callosum; Spastic Paraplegia 11. Identifiers: Orphanet 2822, MedGen C1858479, MONDO:0011445, OMIM 604360.
Hereditary spastic paraplegia. Also called: Familial spastic paraparesis. Identifiers: Orphanet 685, MedGen C0037773, MONDO:0019064. Disease mechanism: loss of function.
Inborn genetic diseases. Identifiers: MedGen C0950123, MeSH D030342.
Amyotrophic lateral sclerosis type 5 (ALS5). Also called: AMYOTROPHIC LATERAL SCLEROSIS 5, JUVENILE. Identifiers: Orphanet 300605, MedGen C1865864, MONDO:0011196, OMIM 602099.

Allele frequency attached by ClinVar (database versions not stated): gnomAD exomes 0.00001.
gnomAD v4.1: 12 of 1,498,688 alleles (0.0008%); highest among the groups gnomAD compares: Non-Finnish European, 0.001%; no homozygotes.

Submissions (7):

Mayo Clinic Laboratories, Mayo Clinic
Classification: Uncertain significance. Last evaluated: 2024-07-03. Review status: criteria provided, single submitter. Criteria: ACMG Guidelines, 2015. Collection method: clinical testing. Allele origin: germline. Observed: 1 variant allele.
Comment: BP4, PM2

Ambry Genetics
Classification: Uncertain significance for Inborn genetic diseases. Last evaluated: 2021-10-09. Review status: criteria provided, single submitter. Criteria: Ambry Variant Classification Scheme 2023. Collection method: clinical testing. Allele origin: germline.
Comment: The p.N1702K variant (also known as c.5106C>G), located in coding exon 29 of the SPG11 gene, results from a C to G substitution at nucleotide position 5106. The asparagine at codon 1702 is replaced by lysine, an amino acid with similar properties. This amino acid position is conserved. In addition, this alteration is predicted to be tolerated by in silico analysis. Since supporting evidence is limited at this time, the clinical significance of this alteration remains unclear.

Labcorp Genetics (formerly Invitae), Labcorp
Classification: Uncertain significance for Hereditary spastic paraplegia 11. Last evaluated: 2021-09-01. Review status: criteria provided, single submitter. Criteria: Invitae Variant Classification Sherloc (09022015). Collection method: clinical testing. Allele origin: germline.
Comment: This sequence change replaces asparagine with lysine at codon 1702 of the SPG11 protein (p.Asn1702Lys). The asparagine residue is weakly conserved and there is a moderate physicochemical difference between asparagine and lysine. This variant is present in population databases (rs762524521, ExAC 0.005%). This variant has not been reported in the literature in individuals affected with SPG11-related conditions. Algorithms developed to predict the effect of missense changes on protein structure and function (SIFT, PolyPhen-2, Align-GVGD) all suggest that this variant is likely to be tolerated. Algorithms developed to predict the effect of sequence changes on RNA splicing suggest that this variant may create or strengthen a splice site. In summary, the available evidence is currently insufficient to determine the role of this variant in disease. Therefore, it has been classified as a Variant of Uncertain Significance.

Genome Diagnostics Laboratory, The Hospital for Sick Children
Classification: Uncertain significance for Hereditary spastic paraplegia. Last evaluated: 2017-06-05. Review status: criteria provided, single submitter. Criteria: ACMG Guidelines, 2015. Collection method: clinical testing. Allele origin: germline. Affected: yes.

Genome-Nilou Lab
Classification: Uncertain significance for Amyotrophic lateral sclerosis type 5. Review status: criteria provided, single submitter. Criteria: ACMG Guidelines, 2015. Collection method: clinical testing. Allele origin: germline.

Genome-Nilou Lab
Classification: Uncertain significance for Charcot-Marie-Tooth disease axonal type 2X. Review status: criteria provided, single submitter. Criteria: ACMG Guidelines, 2015. Collection method: clinical testing. Allele origin: germline.

Genome-Nilou Lab
Classification: Uncertain significance for Hereditary spastic paraplegia 11. Review status: criteria provided, single submitter. Criteria: ACMG Guidelines, 2015. Collection method: clinical testing. Allele origin: germline.

NM_025137.4(SPG11):c.5106C>G (p.Asn1702Lys)

Gene: SPG11 (SPG11 vesicle trafficking associated, spatacsin; minus strand). Cytogenetic location: 15q21.1.
Variant type: single nucleotide variant.
Coding change: c.5106C>G on transcript NM_025137.4 (MANE Select); coding-DNA position 5106, C replaced by G.
Protein change: p.Asn1702Lys; replaces asparagine 1702 with lysine.
Molecular consequence: missense variant.
Genome position (GRCh38, 1-based): chr15:44,585,651, G>C on the plus strand (C>G on the coding strand, the complement: SPG11 is on the minus strand). VCF-style: chr15-44585651-G-C. GRCh37 (hg19) VCF-style: chr15-44877849-G-C.
Other names: p.Asn1702Lys; c.5106C>G, p.Asn1702Lys (NM_001160227.2); short protein forms N1702K.
Identifiers: ClinVar variation 849918 (VCV000849918.13), dbSNP rs762524521, ClinGen allele CA7534499.